The following is an entry in ClinVar:

NM_000052.7(ATP7A):c.2340C>A (p.Phe780Leu)

Gene: ATP7A (ATPase copper transporting alpha; plus strand). Cytogenetic location: Xq21.1.
Variant type: single nucleotide variant.
Coding change: c.2340C>A on transcript NM_000052.7 (MANE Select); coding-DNA position 2340, C replaced by A.
Protein change: p.Phe780Leu; replaces phenylalanine 780 with leucine.
Molecular consequence: missense variant. On other transcripts: intron variant (1).
Genome position (GRCh38, 1-based): chrX:78,013,046, C>A. VCF-style: chrX-78013046-C-A. GRCh37 (hg19) VCF-style: chrX-77268543-C-A.
Other names: c.2172+1372C>A (NM_001282224.2); short protein forms F780L.
Identifiers: ClinVar variation 1055951 (VCV001055951.9), dbSNP rs2077838145, ClinGen allele CA413599347.

ClinVar aggregate classification (germline): Uncertain significance (1 of 4 stars; one submission).

Conditions:
Menkes kinky-hair syndrome (MNK). Also called: Copper transport disease; Classic Menkes Disease; Menkes Disease. Identifiers: Orphanet 565, MedGen C0022716, MONDO:0010651, OMIM 309400.
Cutis laxa, X-linked (OHS). Also called: EDS IX; Occipital horn syndrome. Identifiers: Orphanet 198, MedGen C0268353, MONDO:0010572, OMIM 304150.
X-linked distal spinal muscular atrophy type 3. Also called: SPINAL MUSCULAR ATROPHY, DISTAL, X-LINKED RECESSIVE; ATP7A-Related Distal Motor Neuropathy; NEURONOPATHY, DISTAL HEREDITARY MOTOR, X-LINKED; NEUROPATHY, DISTAL HEREDITARY MOTOR, X-LINKED. Identifiers: Orphanet 139557, MedGen C1845359, MONDO:0010338, OMIM 300489.

Allele frequency attached by ClinVar (database versions not stated): gnomAD exomes below 0.00001.
gnomAD v4.1: 2 of 1,211,070 alleles (0.00017%); highest among the groups gnomAD compares: Non-Finnish European, 0.00022%; no homozygotes.

Submission:

Labcorp Genetics (formerly Invitae), Labcorp
Classification: Uncertain significance for X-linked distal spinal muscular atrophy type 3; Cutis laxa, X-linked; Menkes kinky-hair syndrome. Last evaluated: 2020-10-30. Review status: criteria provided, single submitter. Criteria: Invitae Variant Classification Sherloc (09022015). Collection method: clinical testing. Allele origin: germline.
Comment: In summary, the available evidence is currently insufficient to determine the role of this variant in disease. Therefore, it has been classified as a Variant of Uncertain Significance. Algorithms developed to predict the effect of missense changes on protein structure and function are either unavailable or do not agree on the potential impact of this missense change (SIFT: "Tolerated"; PolyPhen-2: "Possibly Damaging"; Align-GVGD: "Class C0"). This variant has not been reported in the literature in individuals with ATP7A-related conditions. This variant is not present in population databases (ExAC no frequency). This sequence change replaces phenylalanine with leucine at codon 780 of the ATP7A protein (p.Phe780Leu). The phenylalanine residue is highly conserved and there is a small physicochemical difference between phenylalanine and leucine.